The following is an entry in ClinVar:

ClinVar aggregate classification (germline): Uncertain significance. Review status: criteria provided, multiple submitters, no conflicts (2 of 4 stars). 5 submissions from 5 submitters: Uncertain significance (5). Last evaluated 2025-03-29.

Conditions:
Hereditary cancer-predisposing syndrome. Also called: Neoplastic Syndromes, Hereditary; Hereditary neoplastic syndrome; Hereditary Cancer Syndrome; Tumor predisposition. Identifiers: Orphanet 140162, MedGen C0027672, MeSH D009386, MONDO:0015356.
Familial cancer of breast. Also called: BREAST CANCER, FAMILIAL; hereditary breast carcinoma; Hereditary breast cancer. Identifiers: Orphanet 227535, MedGen C0346153, MONDO:0016419, OMIM 114480. Disease mechanism: loss of function.

Allele frequency attached by ClinVar (database versions not stated): gnomAD exomes below 0.00001; TOPMed below 0.00001.
gnomAD v4.1: 1 of 1,613,712 alleles (0.000062%); highest among the groups gnomAD compares: Non-Finnish European, 0.000085%; no homozygotes.

Submissions (5):

Labcorp Genetics (formerly Invitae), Labcorp
Classification: Uncertain significance for Familial cancer of breast. Last evaluated: 2025-03-29. Review status: criteria provided, single submitter. Criteria: Invitae Variant Classification Sherloc (09022015). Collection method: clinical testing. Allele origin: germline.
Comment: This sequence change replaces isoleucine, which is neutral and non-polar, with threonine, which is neutral and polar, at codon 416 of the CHEK2 protein (p.Ile416Thr). This variant is not present in population databases (gnomAD no frequency). This variant has not been reported in the literature in individuals affected with CHEK2-related conditions. ClinVar contains an entry for this variant (Variation ID: 449933). An algorithm developed to predict the effect of missense changes on protein structure and function (PolyPhen-2) suggests that this variant is likely to be disruptive. In summary, the available evidence is currently insufficient to determine the role of this variant in disease. Therefore, it has been classified as a Variant of Uncertain Significance.

Ambry Genetics
Classification: Uncertain significance for Hereditary cancer-predisposing syndrome. Last evaluated: 2025-03-05. Review status: criteria provided, single submitter. Criteria: Ambry Variant Classification Scheme 2023. Collection method: clinical testing. Allele origin: germline.
Comment: The p.I416T variant (also known as c.1247T>C), located in coding exon 10 of the CHEK2 gene, results from a T to C substitution at nucleotide position 1247. The isoleucine at codon 416 is replaced by threonine, an amino acid with similar properties. This variant was reported as functional in a study assessing CHEK2-complementation through quantification of KAP1 phosphorylation and CHK2 autophosphorylation in human RPE1-CHEK2-knockout cells (Stolarova L et al. Clin Cancer Res, 2023 Aug;29:3037-3050). This amino acid position is well conserved in available vertebrate species. In addition, this alteration is predicted to be deleterious by in silico analysis. Based on the available evidence, the clinical significance of this variant remains unclear.

Baylor Genetics
Classification: Uncertain significance for Familial cancer of breast. Last evaluated: 2023-09-28. Review status: criteria provided, single submitter. Criteria: ACMG Guidelines, 2015. Collection method: clinical testing. Allele origin: unknown.

Color Diagnostics, LLC DBA Color Health
Classification: Uncertain significance for Hereditary cancer-predisposing syndrome. Last evaluated: 2019-05-15. Review status: criteria provided, single submitter. Criteria: ACMG Guidelines, 2015. Collection method: clinical testing. Allele origin: germline.

GeneDx
Classification: Uncertain significance. Last evaluated: 2017-04-13. Review status: criteria provided, single submitter. Criteria: GeneDx Variant Classification (06012015). Collection method: clinical testing. Allele origin: germline. Affected: yes.
Comment: This variant is denoted CHEK2 c.1247T>C at the cDNA level, p.Ile416Thr (I416T) at the protein level, and results in the change of an Isoleucine to a Threonine (ATT>ACT). This variant has not, to our knowledge, been published in the literature as pathogenic or benign. CHEK2 Ile416Thr was not observed in large population cohorts (NHLBI Exome Sequencing Project, The 1000 Genomes Consortium 2015, Lek 2016). Since Isoleucine and Threonine differ in polarity, charge, size or other properties, this is considered a non-conservative amino acid substitution. CHEK2 Ile416Thr occurs at a position where amino acids with properties similar to Isoleucine are tolerated across species and is located within the protein kinase domain (Desrichard 2011). In silico analyses predict that this variant is probably damaging to protein structure and function. Based on currently available evidence, it is unclear whether CHEK2 Ile416Thr is a pathogenic or benign variant. We consider it to be a variant of uncertain significance.

Literature cited by the submitters: PubMed 37449874 (cited by Ambry Genetics).

NM_007194.4(CHEK2):c.1247T>C (p.Ile416Thr)

Gene: CHEK2 (checkpoint kinase 2; minus strand). Cytogenetic location: 22q12.1.
Variant type: single nucleotide variant.
Coding change: c.1247T>C on transcript NM_007194.4 (MANE Select); coding-DNA position 1247, T replaced by C.
Protein change: p.Ile416Thr; replaces isoleucine 416 with threonine.
Molecular consequence: missense variant.
Genome position (GRCh38, 1-based): chr22:28,695,722, A>G on the plus strand (T>C on the coding strand, the complement: CHEK2 is on the minus strand). VCF-style: chr22-28695722-A-G. GRCh37 (hg19) VCF-style: chr22-29091710-A-G.
Other names: c.1376T>C, p.Ile459Thr (NM_001005735.3); c.584T>C, p.Ile195Thr (NM_001257387.3); c.1046T>C, p.Ile349Thr (NM_001349956.3); c.1160T>C, p.Ile387Thr (NM_145862.3); short protein forms I416T, I195T, I349T, I387T, I459T.
Identifiers: ClinVar variation 449933 (VCV000449933.20), dbSNP rs1555913642, ClinGen allele CA411096560.